The following is an entry in ClinVar:

NM_001379200.1(TBX1):c.1312G>T (p.Ala438Ser)

Gene: TBX1 (T-box transcription factor 1; plus strand). Cytogenetic location: 22q11.21.
Variant type: single nucleotide variant.
Coding change: c.1312G>T on transcript NM_001379200.1 (MANE Select); coding-DNA position 1312, G replaced by T.
Protein change: p.Ala438Ser; replaces alanine 438 with serine.
Molecular consequence: missense variant. On other transcripts: intron variant (2).
Genome position (GRCh38, 1-based): chr22:19,766,664, G>T. VCF-style: chr22-19766664-G-T. GRCh37 (hg19) VCF-style: chr22-19754187-G-T.
Other names: c.1009+662G>T (NM_005992.1, NM_080646.2); c.1285G>T, p.Ala429Ser (NM_080647.1); short protein forms A438S, A429S.
Identifiers: ClinVar variation 1768957 (VCV001768957.5), dbSNP rs962345052, ClinGen allele CA410684947.

ClinVar aggregate classification (germline): Uncertain significance. Review status: criteria provided, multiple submitters, no conflicts (2 of 4 stars). 2 submissions from 2 submitters: Uncertain significance (2). Last evaluated 2023-02-18.

Conditions:
Cardiovascular phenotype. Identifiers: MedGen CN230736.
DiGeorge syndrome. Also called: THIRD AND FOURTH PHARYNGEAL POUCH SYNDROME; Catch22. Identifiers: Orphanet 567, MedGen C0012236, MONDO:0008564, OMIM 188400.

Allele frequency attached by ClinVar (database versions not stated): gnomAD exomes below 0.00001.
gnomAD v4.1: 1 of 1,551,658 alleles (0.000064%); highest among the groups gnomAD compares: Admixed American, 0.0018%; no homozygotes.

Submissions (2):

Labcorp Genetics (formerly Invitae), Labcorp
Classification: Uncertain significance for DiGeorge syndrome. Last evaluated: 2023-02-18. Review status: criteria provided, single submitter. Criteria: Invitae Variant Classification Sherloc (09022015). Collection method: clinical testing. Allele origin: germline.
Comment: In summary, the available evidence is currently insufficient to determine the role of this variant in disease. Therefore, it has been classified as a Variant of Uncertain Significance. An algorithm developed to predict the effect of missense changes on protein structure and function (PolyPhen-2) suggests that this variant is likely to be tolerated. ClinVar contains an entry for this variant (Variation ID: 1768957). This variant has not been reported in the literature in individuals affected with TBX1-related conditions. The frequency data for this variant in the population databases is considered unreliable, as metrics indicate poor data quality at this position in the gnomAD database. This sequence change replaces alanine, which is neutral and non-polar, with serine, which is neutral and polar, at codon 429 of the TBX1 protein (p.Ala429Ser).

Ambry Genetics
Classification: Uncertain significance for Cardiovascular phenotype. Last evaluated: 2022-05-02. Review status: criteria provided, single submitter. Criteria: Ambry Variant Classification Scheme 2023. Collection method: clinical testing. Allele origin: germline.
Comment: The p.A429S variant (also known as c.1285G>T), located in coding exon 8 of the TBX1 gene, results from a G to T substitution at nucleotide position 1285. The alanine at codon 429 is replaced by serine, an amino acid with similar properties. This amino acid position is conserved. In addition, this alteration is predicted to be tolerated by in silico analysis. Since supporting evidence is limited at this time, the clinical significance of this alteration remains unclear.